The following is an entry in ClinVar:

NM_001606.5(ABCA2):c.1866G>A (p.Val622=)

Gene: ABCA2 (ATP binding cassette subfamily A member 2; minus strand). Cytogenetic location: 9q34.3.
Variant type: single nucleotide variant.
Coding change: c.1866G>A on transcript NM_001606.5 (MANE Select); coding-DNA position 1866, G replaced by A.
Protein change: p.Val622=; no amino-acid change (valine 622 retained).
Molecular consequence: synonymous variant.
Genome position (GRCh38, 1-based): chr9:137,018,305, C>T on the plus strand (G>A on the coding strand, the complement: ABCA2 is on the minus strand). VCF-style: chr9-137018305-C-T. GRCh37 (hg19) VCF-style: chr9-139912757-C-T.
Other names: c.1863G>A, p.Val621= (NM_001411042.1); c.1956G>A, p.Val652= (NM_212533.3).
Identifiers: ClinVar variation 3067316 (VCV003067316.21), dbSNP rs1210671562, ClinGen allele CA467846187.

ClinVar aggregate classification (germline): Likely benign (1 of 4 stars; one submission).

Allele frequency attached by ClinVar (database versions not stated): gnomAD 0.00004; TOPMed 0.00006.
gnomAD v4.1: 19 of 1,606,544 alleles (0.0012%); highest among the groups gnomAD compares: African/African-American, 0.016%; no homozygotes.

Submission:

CeGaT Center for Human Genetics Tuebingen
Classification: Likely benign. Last evaluated: 2024-03-01. Review status: criteria provided, single submitter. Criteria: CeGaT Center For Human Genetics Tuebingen Variant Classification Criteria Version 2. Collection method: clinical testing. Allele origin: germline. Affected: yes. Observed: 1 variant allele.
Comment: ABCA2: BP4, BP7